The following is an entry in ClinVar:

ClinVar aggregate classification (germline): Uncertain significance. Review status: criteria provided, multiple submitters, no conflicts (2 of 4 stars). 2 submissions from 2 submitters: Uncertain significance (2). Last evaluated 2023-10-09.

Conditions:
PEX19-related disorder. Also called: PEX19-related condition.
Peroxisome biogenesis disorder 12A (Zellweger). Also called: Peroxisome biogenesis disorder 12A. Identifiers: Orphanet 912, MedGen C3554002, MONDO:0013951, OMIM 614886.

Allele frequency attached by ClinVar (database versions not stated): ESP Exome Variant Server 0.00008.
gnomAD v4.1: 42 of 1,613,862 alleles (0.0026%); highest among the groups gnomAD compares: African/African-American, 0.052%; no homozygotes.

Submissions (2):

PreventionGenetics, part of Exact Sciences
Classification: Uncertain significance for PEX19-related condition. Last evaluated: 2023-10-09. Review status: criteria provided, single submitter. Criteria: ACMG Guidelines, 2015. Collection method: clinical testing. Allele origin: germline.
Comment: The PEX19 c.23G>A variant is predicted to result in the amino acid substitution p.Cys8Tyr. To our knowledge, this variant has not been reported in the literature. This variant is reported in 0.048% of alleles in individuals of African descent in gnomAD. At this time, the clinical significance of this variant is uncertain due to the absence of conclusive functional and genetic evidence.

Labcorp Genetics (formerly Invitae), Labcorp
Classification: Uncertain significance for Peroxisome biogenesis disorder 12A (Zellweger). Last evaluated: 2023-10-03. Review status: criteria provided, single submitter. Criteria: Invitae Variant Classification Sherloc (09022015). Collection method: clinical testing. Allele origin: germline.
Comment: This sequence change replaces cysteine, which is neutral and slightly polar, with tyrosine, which is neutral and polar, at codon 8 of the PEX19 protein (p.Cys8Tyr). This variant is present in population databases (rs369984634, gnomAD 0.05%). This variant has not been reported in the literature in individuals affected with PEX19-related conditions. ClinVar contains an entry for this variant (Variation ID: 1058503). An algorithm developed to predict the effect of missense changes on protein structure and function (PolyPhen-2) suggests that this variant¬†is likely to be tolerated. In summary, the available evidence is currently insufficient to determine the role of this variant in disease. Therefore, it has been classified as a Variant of Uncertain Significance.

NM_002857.4(PEX19):c.23G>A (p.Cys8Tyr)

Gene: PEX19 (peroxisomal biogenesis factor 19; minus strand). Cytogenetic location: 1q23.2.
Variant type: single nucleotide variant.
Coding change: c.23G>A on transcript NM_002857.4 (MANE Select); coding-DNA position 23, G replaced by A.
Protein change: p.Cys8Tyr; replaces cysteine 8 with tyrosine.
Molecular consequence: missense variant. On other transcripts: non-coding transcript variant (2).
Genome position (GRCh38, 1-based): chr1:160,285,102, C>T on the plus strand (G>A on the coding strand, the complement: PEX19 is on the minus strand). VCF-style: chr1-160285102-C-T. GRCh37 (hg19) VCF-style: chr1-160254892-C-T.
Other names: c.23G>A, p.Cys8Tyr (NM_001193644.1); c.23G>A (NM_002857.3); short protein forms C8Y.
Identifiers: ClinVar variation 1058503 (VCV001058503.5), dbSNP rs369984634, ClinGen allele CA1197515.